The following is an entry in ClinVar:

NC_000015.10:g.84817332T>C

Gene: ALPK3 (alpha kinase 3; plus strand). Cytogenetic location: 15q25.3.
Variant type: single nucleotide variant.
Genome position: GRCh38 VCF-style: chr15-84817332-T-C. GRCh37 (hg19) VCF-style: chr15-85360563-T-C.
Identifiers: ClinVar variation 1217565 (VCV001217565.13), dbSNP rs891136583, ClinGen allele CA273651048.

ClinVar aggregate classification (germline): Likely benign. Review status: criteria provided, multiple submitters, no conflicts (2 of 4 stars). 5 submissions from 5 submitters: Likely benign (5). Last evaluated 2026-01-27.

Conditions:
ALPK3-related disorder. Also called: ALPK3-related condition.
Cardiovascular phenotype. Identifiers: MedGen CN230736.

Allele frequency attached by ClinVar (database versions not stated): gnomAD exomes below 0.00001; gnomAD 0.00001; TOPMed 0.00003.

Submissions (5):

Labcorp Genetics (formerly Invitae), Labcorp
Classification: Likely benign. Last evaluated: 2026-01-27. Review status: criteria provided, single submitter. Criteria: Invitae Variant Classification Sherloc (09022015). Collection method: clinical testing. Allele origin: germline.

PreventionGenetics, part of Exact Sciences
Classification: Likely benign for ALPK3-related condition. Last evaluated: 2025-03-29. Review status: criteria provided, single submitter. Criteria: ACMG Guidelines, 2015. Collection method: clinical testing. Allele origin: germline.
Comment: This variant is classified as likely benign based on ACMG/AMP sequence variant interpretation guidelines (Richards et al. 2015 PMID: 25741868, with internal and published modifications).

Blueprint Genetics
Classification: Likely benign. Last evaluated: 2022-03-29. Review status: criteria provided, single submitter. Criteria: ACMG Guidelines, 2015. Collection method: clinical testing. Allele origin: germline.

Ambry Genetics
Classification: Likely benign for Cardiovascular phenotype. Last evaluated: 2021-08-02. Review status: criteria provided, single submitter. Criteria: Ambry Variant Classification Scheme 2023. Collection method: clinical testing. Allele origin: germline.

GeneDx
Classification: Likely benign. Last evaluated: 2018-10-22. Review status: criteria provided, single submitter. Criteria: GeneDx Variant Classification Process June 2021. Collection method: clinical testing. Allele origin: germline. Affected: yes.